The following is an entry in ClinVar:

NM_001190274.2(FBXO11):c.1189T>C (p.Cys397Arg)

Gene: FBXO11 (F-box protein 11; minus strand). Cytogenetic location: 2p16.3.
Variant type: single nucleotide variant.
Coding change: c.1189T>C on transcript NM_001190274.2 (MANE Select); coding-DNA position 1189, T replaced by C.
Protein change: p.Cys397Arg; replaces cysteine 397 with arginine.
Molecular consequence: missense variant.
Genome position (GRCh38, 1-based): chr2:47,832,643, A>G on the plus strand (T>C on the coding strand, the complement: FBXO11 is on the minus strand). VCF-style: chr2-47832643-A-G. GRCh37 (hg19) VCF-style: chr2-48059782-A-G.
Other names: c.937T>C, p.Cys313Arg (NM_001374325.1, NM_025133.4); short protein forms C313R, C397R.
Identifiers: ClinVar variation 2017196 (VCV002017196.4), dbSNP rs754908955, ClinGen allele CA1649903.

ClinVar aggregate classification (germline): Uncertain significance (1 of 4 stars; one submission).

Allele frequency attached by ClinVar (database versions not stated): gnomAD exomes below 0.00001; ExAC 0.00001.
gnomAD v4.1: 2 of 1,614,010 alleles (0.00012%); highest among the groups gnomAD compares: Non-Finnish European, 0.00017%; no homozygotes.

Submission:

Labcorp Genetics (formerly Invitae), Labcorp
Classification: Uncertain significance. Last evaluated: 2022-10-09. Review status: criteria provided, single submitter. Criteria: Invitae Variant Classification Sherloc (09022015). Collection method: clinical testing. Allele origin: germline.
Comment: This sequence change replaces cysteine, which is neutral and slightly polar, with arginine, which is basic and polar, at codon 397 of the FBXO11 protein (p.Cys397Arg). This variant is present in population databases (rs754908955, gnomAD 0.002%). This variant has not been reported in the literature in individuals affected with FBXO11-related conditions. Algorithms developed to predict the effect of missense changes on protein structure and function (SIFT, PolyPhen-2, Align-GVGD) all suggest that this variant is likely to be tolerated. In summary, the available evidence is currently insufficient to determine the role of this variant in disease. Therefore, it has been classified as a Variant of Uncertain Significance.